The following is an entry in ClinVar:

ClinVar aggregate classification (germline): Conflicting classifications of pathogenicity. Review status: criteria provided, conflicting classifications (1 of 4 stars). 2 submissions from 2 submitters: Likely pathogenic (1); Uncertain significance (1). Last evaluated 2026-02-24.

Conditions:
Distal arthrogryposis type 5D (DA5D). Identifiers: Orphanet 329457, MedGen C3554415, MONDO:0014028, OMIM 615065.

Allele frequency attached by ClinVar (database versions not stated): ExAC 0.00002; gnomAD 0.00002; TOPMed 0.00002; gnomAD exomes 0.00004.
gnomAD v4.1: 55 of 1,611,624 alleles (0.0034%); highest among the groups gnomAD compares: Non-Finnish European, 0.0042%; no homozygotes.

Submissions (2):

GeneDx
Classification: Uncertain significance. Last evaluated: 2026-02-24. Review status: criteria provided, single submitter. Criteria: GeneDx Variant Classification Process June 2021. Collection method: clinical testing. Allele origin: germline.
Comment: Not observed at significant frequency in large population cohorts (gnomAD); In silico analysis supports that this missense variant has a deleterious effect on protein structure/function; Has not been previously published as pathogenic or benign to our knowledge

CHU Sainte-Justine Research Center, University of Montreal
Classification: Likely pathogenic for Distal arthrogryposis type 5D. Last evaluated: 2021-04-22. Review status: criteria provided, single submitter. Criteria: ACMG Guidelines, 2015. Collection method: clinical testing. Allele origin: germline. Affected: yes.

NM_004826.4(ECEL1):c.1369T>G (p.Phe457Val)

Gene: ECEL1 (endothelin converting enzyme like 1; minus strand). Cytogenetic location: 2q37.1.
Variant type: single nucleotide variant.
Coding change: c.1369T>G on transcript NM_004826.4 (MANE Select); coding-DNA position 1369, T replaced by G.
Protein change: p.Phe457Val; replaces phenylalanine 457 with valine.
Molecular consequence: missense variant.
Genome position (GRCh38, 1-based): chr2:232,484,039, A>C on the plus strand (T>G on the coding strand, the complement: ECEL1 is on the minus strand). VCF-style: chr2-232484039-A-C. GRCh37 (hg19) VCF-style: chr2-233348749-A-C.
Other names: c.1369T>G, p.Phe457Val (NM_001290787.2); c.1369T>G (NM_004826.2); short protein forms F457V.
Identifiers: ClinVar variation 2412779 (VCV002412779.2), dbSNP rs778750904, ClinGen allele CA2167326.